The following is an entry in ClinVar:

NM_001042492.3(NF1):c.757G>C (p.Val253Leu)

Gene: NF1 (neurofibromin 1; plus strand). Cytogenetic location: 17q11.2.
Variant type: single nucleotide variant.
Coding change: c.757G>C on transcript NM_001042492.3 (MANE Select); coding-DNA position 757, G replaced by C.
Protein change: p.Val253Leu; replaces valine 253 with leucine.
Molecular consequence: missense variant.
Genome position (GRCh38, 1-based): chr17:31,182,534, G>C. VCF-style: chr17-31182534-G-C. GRCh37 (hg19) VCF-style: chr17-29509552-G-C.
Other names: c.757G>C, p.Val253Leu (NM_000267.4, NM_001128147.3); short protein forms V253L.
Identifiers: ClinVar variation 187276 (VCV000187276.7), dbSNP rs786203607, ClinGen allele CA197214.

ClinVar aggregate classification (germline): Uncertain significance. Review status: criteria provided, multiple submitters, no conflicts (2 of 4 stars). 4 submissions from 3 submitters: Uncertain significance (4). Last evaluated 2025-11-09.

Conditions:
Hereditary cancer-predisposing syndrome. Also called: Hereditary Cancer Syndrome; Neoplastic Syndromes, Hereditary; Tumor predisposition; Hereditary neoplastic syndrome. Identifiers: Orphanet 140162, MedGen C0027672, MeSH D009386, MONDO:0015356.
Cardiovascular phenotype. Identifiers: MedGen CN230736.
Juvenile myelomonocytic leukemia (JMML). Also called: LEUKEMIA, JUVENILE MYELOMONOCYTIC, SOMATIC. Identifiers: Orphanet 86834, MedGen C0349639, MONDO:0011908, OMIM 607785, HP:0012209.
Neurofibromatosis, type 1 (NF1). Also called: NEUROFIBROMATOSIS, TYPE I, SOMATIC; VON RECKLINGHAUSEN DISEASE; Peripheral type neurofibromatosis; Neurofibromatosis, type I. Identifiers: Orphanet 636, MedGen C0027831, MONDO:0018975, OMIM 162200. Disease mechanism: loss of function.

Submissions (4):

Labcorp Genetics (formerly Invitae), Labcorp
Classification: Uncertain significance for Neurofibromatosis, type 1. Last evaluated: 2025-11-09. Review status: criteria provided, single submitter. Criteria: Invitae Variant Classification Sherloc (09022015). Collection method: clinical testing. Allele origin: germline.
Comment: This sequence change replaces valine, which is neutral and non-polar, with leucine, which is neutral and non-polar, at codon 253 of the NF1 protein (p.Val253Leu). This variant is not present in population databases (gnomAD no frequency). This variant has not been reported in the literature in individuals affected with NF1-related conditions. ClinVar contains an entry for this variant (Variation ID: 187276). Invitae Evidence Modeling of protein sequence and biophysical properties (such as structural, functional, and spatial information, amino acid conservation, physicochemical variation, residue mobility, and thermodynamic stability) indicates that this missense variant is not expected to disrupt NF1 protein function with a negative predictive value of 95%. In summary, the available evidence is currently insufficient to determine the role of this variant in disease. Therefore, it has been classified as a Variant of Uncertain Significance.

Baylor Genetics
Classification: Uncertain significance for Juvenile myelomonocytic leukemia. Last evaluated: 2023-09-11. Review status: criteria provided, single submitter. Criteria: ACMG Guidelines, 2015. Collection method: clinical testing. Allele origin: unknown.

Ambry Genetics
Classification: Uncertain significance for Cardiovascular phenotype; Hereditary cancer-predisposing syndrome. Last evaluated: 2022-03-22. Review status: criteria provided, single submitter. Criteria: Ambry Variant Classification Scheme 2023. Collection method: clinical testing. Allele origin: germline.

Ambry Genetics
Classification: Uncertain significance for Hereditary cancer-predisposing syndrome. Last evaluated: 2014-12-17. Review status: criteria provided, single submitter. Criteria: Ambry Autosomal Dominant and X-Linked criteria (10/2015). Collection method: clinical testing. Allele origin: germline. Observed: 1 variant allele.
Comment: Thep.V253Lvariant (also known as c.757G>C), located in coding exon 8 of theNF1gene, results from a G to C substitution at nucleotide position 757. The valine at codon 253 is replaced by leucine, an amino acid with highly similar properties. This variant was not reported in population based cohorts in the following databases: Database of Single Nucleotide Polymorphisms (dbSNP), NHLBI Exome Sequencing Project (ESP), and 1000 Genomes Project. In the ESP, this variant was not observed in 6503 samples (13006 alleles) with coverage at this position. To date, this alteration has been detected with an allele frequency of approximately 0.003% (greater than 30,000 alleles tested) in our clinical cohort. This amino acid position is highly conserved in available vertebrate species. In addition, this alteration is predicted to be deleterious by in silico analysis. Since supporting evidence is limited at this time, the clinical significance of p.V253L remains unclear.